The following is an entry in ClinVar:

NM_000808.4(GABRA3):c.431G>T (p.Ser144Ile)

Gene: GABRA3 (gamma-aminobutyric acid type A receptor subunit alpha3; minus strand). Cytogenetic location: Xq28.
Variant type: single nucleotide variant.
Coding change: c.431G>T on transcript NM_000808.4 (MANE Select); coding-DNA position 431, G replaced by T.
Protein change: p.Ser144Ile; replaces serine 144 with isoleucine.
Molecular consequence: missense variant.
Genome position (GRCh38, 1-based): chrX:152,255,898, C>A on the plus strand (G>T on the coding strand, the complement: GABRA3 is on the minus strand). VCF-style: chrX-152255898-C-A. GRCh37 (hg19) VCF-style: chrX-151424370-C-A.
Other names: short protein forms S144I.
Identifiers: ClinVar variation 4532368 (VCV004532368.1).

ClinVar aggregate classification (germline): Uncertain significance (1 of 4 stars; one submission).

Submission:

GeneDx
Classification: Uncertain significance. Last evaluated: 2023-08-24. Review status: criteria provided, single submitter. Criteria: GeneDx Variant Classification Process June 2021. Collection method: clinical testing. Allele origin: germline. Affected: yes.
Comment: Not observed at significant frequency in large population cohorts (gnomAD); In silico analysis supports that this missense variant has a deleterious effect on protein structure/function; Has not been previously published as pathogenic or benign to our knowledge; Variants in candidate genes are classified as variants of uncertain significance in accordance with ACMG guidelines (Richards et al., 2015)